The following is an entry in ClinVar:

NM_001162501.2(TNRC6B):c.3302C>T (p.Ala1101Val)

Gene: TNRC6B (trinucleotide repeat containing adaptor 6B; plus strand). Cytogenetic location: 22q13.1.
Variant type: single nucleotide variant.
Coding change: c.3302C>T on transcript NM_001162501.2 (MANE Select); coding-DNA position 3302, C replaced by T.
Protein change: p.Ala1101Val; replaces alanine 1101 with valine.
Molecular consequence: missense variant.
Genome position (GRCh38, 1-based): chr22:40,280,034, C>T. VCF-style: chr22-40280034-C-T. GRCh37 (hg19) VCF-style: chr22-40676038-C-T.
Other names: c.1061C>T, p.Ala354Val (NM_001024843.2); c.3143C>T, p.Ala1048Val (NM_015088.3); short protein forms A1048V, A1101V, A354V.
Identifiers: ClinVar variation 3180718 (VCV003180718.3), dbSNP rs887946732, ClinGen allele CA324429537.

ClinVar aggregate classification (germline): Uncertain significance. Review status: criteria provided, multiple submitters, no conflicts (2 of 4 stars). 2 submissions from 2 submitters: Uncertain significance (2). Last evaluated 2026-01-26.

Conditions:
Inborn genetic diseases. Identifiers: MedGen C0950123, MeSH D030342.

Allele frequency attached by ClinVar (database versions not stated): gnomAD exomes 0.00001; TOPMed 0.00003; gnomAD 0.00002.
gnomAD v4.1: 17 of 1,613,562 alleles (0.0011%); highest among the groups gnomAD compares: African/African-American, 0.0067%; no homozygotes.

Submissions (2):

Dasa
Classification: Uncertain significance. Last evaluated: 2026-01-26. Review status: criteria provided, single submitter. Criteria: DASA Assertion Criteria. Collection method: clinical testing. Allele origin: germline.
Comment: NM_001162501.2(TNRC6B):c.3302C>T (p.Ala1101Val) is a missense variant that results in the substitution of alanine with valine. This variant is rare in population databases. Computational prediction algorithms are consistent with a benign effect. The currently available literature and clinical evidence are not sufficient to establish a definitive association between this variant and the reported condition. Therefore, this variant is classified as a variant of uncertain significance.

Ambry Genetics
Classification: Uncertain significance for Inborn genetic diseases. Last evaluated: 2023-11-14. Review status: criteria provided, single submitter. Criteria: Ambry Variant Classification Scheme 2023. Collection method: clinical testing. Allele origin: germline.